The following is an entry in ClinVar:

ClinVar aggregate classification (germline): Uncertain significance (1 of 4 stars; one submission).

Conditions:
Pitt-Hopkins syndrome (PTHS). Also called: ENCEPHALOPATHY, SEVERE EPILEPTIC, WITH AUTONOMIC DYSFUNCTION; MENTAL RETARDATION, SYNDROMAL, WITH INTERMITTENT HYPERVENTILATION. Identifiers: Orphanet 2896, MedGen C1970431, MONDO:0012589, OMIM 610954.

Submission:

Labcorp Genetics (formerly Invitae), Labcorp
Classification: Uncertain significance for Pitt-Hopkins syndrome. Last evaluated: 2022-05-17. Review status: criteria provided, single submitter. Criteria: Invitae Variant Classification Sherloc (09022015). Collection method: clinical testing. Allele origin: germline.
Comment: Algorithms developed to predict the effect of missense changes on protein structure and function (SIFT, PolyPhen-2, Align-GVGD) all suggest that this variant is likely to be tolerated. In summary, the available evidence is currently insufficient to determine the role of this variant in disease. Therefore, it has been classified as a Variant of Uncertain Significance. This variant has not been reported in the literature in individuals affected with TCF4-related conditions. This variant is not present in population databases (gnomAD no frequency). This sequence change replaces alanine, which is neutral and non-polar, with threonine, which is neutral and polar, at codon 239 of the TCF4 protein (p.Ala239Thr).

NM_001083962.2(TCF4):c.715G>A (p.Ala239Thr)

Gene: TCF4 (transcription factor 4; minus strand). Cytogenetic location: 18q21.2.
Variant type: single nucleotide variant.
Coding change: c.715G>A on transcript NM_001083962.2 (MANE Select); coding-DNA position 715, G replaced by A.
Protein change: p.Ala239Thr; replaces alanine 239 with threonine.
Molecular consequence: missense variant.
Genome position (GRCh38, 1-based): chr18:55,275,693, C>T on the plus strand (G>A on the coding strand, the complement: TCF4 is on the minus strand). VCF-style: chr18-55275693-C-T. GRCh37 (hg19) VCF-style: chr18-52942924-C-T.
Other names: c.589G>A, p.Ala197Thr (NM_001348211.2, NM_001243231.2); c.325G>A, p.Ala109Thr (NM_001348212.2, NM_001348213.2, NM_001243233.2 and 1 more transcripts); c.235G>A, p.Ala79Thr (NM_001348214.2, NM_001348216.2, NM_001243234.2 and 2 more transcripts); c.67G>A, p.Ala23Thr (NM_001348215.2); c.643G>A, p.Ala215Thr (NM_001348217.1, NM_001348218.2, NM_001348219.2 and 9 more transcripts); c.640G>A, p.Ala214Thr (NM_001348220.1, NM_001369576.1, NM_001369578.1 and 3 more transcripts); c.1021G>A, p.Ala341Thr (NM_001243226.3); c.733G>A, p.Ala245Thr (NM_001243228.2); and 4 more; short protein forms A214T, A237T, A239T, A79T, A109T, A215T, A238T, A23T.
Identifiers: ClinVar variation 2166570 (VCV002166570.4), dbSNP rs747361615, ClinGen allele CA402701555.
Genomic context (GRCh38, chr18:55,275,693, plus strand): 5'-GATGCAGGCTACAGTAGCTGCTGGACTGTGGAATATGAGAAGAGTTGCCCAACATTCCTG[C>T]ATAGCCAGGCTGATTCATCCCACTGGAGGAGCTCCAAGGGTCACTGCTGTGATGGCCATC-3'
Protein context (NP_001077431.1, residues 229-249): SSSGMNQPGY[Ala239Thr]GMLGNSSHIP